The following is an entry in ClinVar:

ClinVar aggregate classification (germline): Uncertain significance. Review status: criteria provided, multiple submitters, no conflicts (2 of 4 stars). 2 submissions from 2 submitters: Uncertain significance (2). Last evaluated 2025-08-01.

Conditions:
Hereditary cancer-predisposing syndrome. Also called: Tumor predisposition; Neoplastic Syndromes, Hereditary; Hereditary Cancer Syndrome; Hereditary neoplastic syndrome. Identifiers: Orphanet 140162, MedGen C0027672, MeSH D009386, MONDO:0015356.
Ataxia-telangiectasia syndrome (AT). Also called: ATAXIA-TELANGIECTASIA, COMPLEMENTATION GROUP A; ATAXIA-TELANGIECTASIA, FRESNO VARIANT; Ataxia-telangiectasia; Ataxia-telangiectasia, complementation group D; AT, COMPLEMENTATION GROUP C; Ataxia-telangiectasia, complementation group E. Identifiers: Orphanet 100, MedGen C0004135, MONDO:0008840, OMIM 208900.

Submissions (2):

Ambry Genetics
Classification: Uncertain significance for Hereditary cancer-predisposing syndrome. Last evaluated: 2025-08-01. Review status: criteria provided, single submitter. Criteria: Ambry Variant Classification Scheme 2023. Collection method: clinical testing. Allele origin: germline.
Comment: The p.G2020R variant (also known as c.6058G>C), located in coding exon 40 of the ATM gene, results from a G to C substitution at nucleotide position 6058. The glycine at codon 2020 is replaced by arginine, an amino acid with dissimilar properties. This amino acid position is conserved. In addition, the in silico prediction for this alteration is inconclusive. Based on the available evidence, the clinical significance of this variant remains unclear.

Labcorp Genetics (formerly Invitae), Labcorp
Classification: Uncertain significance for Ataxia-telangiectasia syndrome. Last evaluated: 2023-11-10. Review status: criteria provided, single submitter. Criteria: Invitae Variant Classification Sherloc (09022015). Collection method: clinical testing. Allele origin: germline.
Comment: This sequence change replaces glycine, which is neutral and non-polar, with arginine, which is basic and polar, at codon 2020 of the ATM protein (p.Gly2020Arg). This variant is not present in population databases (gnomAD no frequency). This variant has not been reported in the literature in individuals affected with ATM-related conditions. ClinVar contains an entry for this variant (Variation ID: 864068). An algorithm developed to predict the effect of missense changes on protein structure and function (PolyPhen-2) suggests that this variant is likely to be disruptive. In summary, the available evidence is currently insufficient to determine the role of this variant in disease. Therefore, it has been classified as a Variant of Uncertain Significance.

NM_000051.4(ATM):c.6058G>C (p.Gly2020Arg)

Genes: ATM (ATM serine/threonine kinase; plus strand), C11orf65 (chromosome 11 open reading frame 65; minus strand). Cytogenetic location: 11q22.3.
Variant type: single nucleotide variant.
Coding change: c.6058G>C on transcript NM_000051.4 (MANE Select); coding-DNA position 6058, G replaced by C.
Protein change: p.Gly2020Arg; replaces glycine 2020 with arginine.
Molecular consequence: missense variant. On other transcripts: intron variant (2).
Genome position (GRCh38, 1-based): chr11:108,315,874, G>C. VCF-style: chr11-108315874-G-C. GRCh37 (hg19) VCF-style: chr11-108186601-G-C.
Other names: c.6058G>C, p.Gly2020Arg (NM_001351834.2); c.641-6803C>G (NM_001330368.2); c.*39-6803C>G (NM_001351110.2); short protein forms G2020R.
Identifiers: ClinVar variation 864068 (VCV000864068.11), dbSNP rs2084590997, ClinGen allele CA382550029.